The following is an entry in ClinVar:

NM_152564.5(VPS13B):c.1207-9A>G

Gene: VPS13B (vacuolar protein sorting 13 homolog B; plus strand). Cytogenetic location: 8q22.2.
Variant type: single nucleotide variant.
Coding change: c.1207-9A>G on transcript NM_152564.5 (MANE Select); 9 bases into the intron before coding-DNA position 1207, A replaced by G.
Molecular consequence: intron variant.
Genome position (GRCh38, 1-based): chr8:99,134,623, A>G. VCF-style: chr8-99134623-A-G. GRCh37 (hg19) VCF-style: chr8-100146851-A-G.
Other names: c.1207-9A>G (NM_152564.4, NM_017890.5, NM_015243.3).
Identifiers: ClinVar variation 1658837 (VCV001658837.9), dbSNP rs2132553905, ClinGen allele CA2573143557.

ClinVar aggregate classification (germline): Likely benign. Review status: criteria provided, single submitter (1 of 4 stars). 2 submissions from 2 submitters: Likely benign (1). 1 of the submissions does not count toward it. Last evaluated 2025-04-29.

Conditions:
VPS13B-related disorder. Also called: VPS13B-related condition.
Cohen syndrome (COH1). Also called: PEPPER SYNDROME; Cutis verticis gyrata, retinitis pigmentosa, and sensorineural deafness. Identifiers: Orphanet 193, MedGen C0265223, MONDO:0008999, OMIM 216550.

Allele frequency attached by ClinVar (database versions not stated): gnomAD exomes below 0.00001.
gnomAD v4.1: 1 of 1,583,558 alleles (0.000063%); highest among the groups gnomAD compares: Middle Eastern, 0.017%; no homozygotes.

Submissions (2):

Labcorp Genetics (formerly Invitae), Labcorp
Classification: Likely benign for Cohen syndrome. Last evaluated: 2025-04-29. Review status: criteria provided, single submitter. Criteria: Invitae Variant Classification Sherloc (09022015). Collection method: clinical testing. Allele origin: germline.

PreventionGenetics, part of Exact Sciences
Classification: Likely benign for VPS13B-related condition. Last evaluated: 2023-09-13. Review status: no assertion criteria provided. Collection method: clinical testing. Allele origin: germline. Not counted in ClinVar's aggregate classification.
Comment: This variant is classified as likely benign based on ACMG/AMP sequence variant interpretation guidelines (Richards et al. 2015 PMID: 25741868, with internal and published modifications).